The following is an entry in ClinVar:

NM_004629.2(FANCG):c.1769C>T (p.Pro590Leu)

Gene: FANCG (FA complementation group G; minus strand). Cytogenetic location: 9p13.3.
Variant type: single nucleotide variant.
Coding change: c.1769C>T on transcript NM_004629.2 (MANE Select); coding-DNA position 1769, C replaced by T.
Protein change: p.Pro590Leu; replaces proline 590 with leucine.
Molecular consequence: missense variant.
Genome position (GRCh38, 1-based): chr9:35,074,208, G>A on the plus strand (C>T on the coding strand, the complement: FANCG is on the minus strand). VCF-style: chr9-35074208-G-A. GRCh37 (hg19) VCF-style: chr9-35074205-G-A.
Other names: short protein forms P590L.
Identifiers: ClinVar variation 4254479 (VCV004254479.2).

ClinVar aggregate classification (germline): Uncertain significance. Review status: criteria provided, multiple submitters, no conflicts (2 of 4 stars). 2 submissions from 2 submitters: Uncertain significance (2). Last evaluated 2025-08-21.

Conditions:
Inborn genetic diseases. Identifiers: MedGen C0950123, MeSH D030342.
Fanconi anemia (FA). Also called: Fanconi's anemia. Identifiers: Orphanet 84, MedGen C0015625, MeSH D005199, MONDO:0019391.

gnomAD v4.1: 2 of 1,614,082 alleles (0.00012%); highest among the groups gnomAD compares: African/African-American, 0.0013%; no homozygotes.

Submissions (2):

Ambry Genetics
Classification: Uncertain significance for Inborn genetic diseases. Last evaluated: 2025-08-21. Review status: criteria provided, single submitter. Criteria: Ambry Variant Classification Scheme 2023. Collection method: clinical testing. Allele origin: germline.
Comment: The p.P590L variant (also known as c.1769C>T), located in coding exon 14 of the FANCG gene, results from a C to T substitution at nucleotide position 1769. The proline at codon 590 is replaced by leucine, an amino acid with similar properties. This amino acid position is conserved. In addition, the in silico prediction for this alteration is inconclusive. Based on the available evidence, the clinical significance of this variant remains unclear.

Labcorp Genetics (formerly Invitae), Labcorp
Classification: Uncertain significance for Fanconi anemia. Last evaluated: 2025-06-03. Review status: criteria provided, single submitter. Criteria: Invitae Variant Classification Sherloc (09022015). Collection method: clinical testing. Allele origin: germline.
Comment: This sequence change replaces proline, which is neutral and non-polar, with leucine, which is neutral and non-polar, at codon 590 of the FANCG protein (p.Pro590Leu). This variant is not present in population databases (gnomAD no frequency). This variant has not been reported in the literature in individuals affected with FANCG-related conditions. Invitae Evidence Modeling of protein sequence and biophysical properties (such as structural, functional, and spatial information, amino acid conservation, physicochemical variation, residue mobility, and thermodynamic stability) indicates that this missense variant is expected to disrupt FANCG protein function with a positive predictive value of 80%. In summary, the available evidence is currently insufficient to determine the role of this variant in disease. Therefore, it has been classified as a Variant of Uncertain Significance.